The following is an entry in ClinVar:

NM_001131016.2(CIZ1):c.1919G>A (p.Arg640Gln)

Gene: CIZ1 (CDKN1A interacting zinc finger protein 1; minus strand). Cytogenetic location: 9q34.11.
Variant type: single nucleotide variant.
Coding change: c.1919G>A on transcript NM_001131016.2 (MANE Select); coding-DNA position 1919, G replaced by A.
Protein change: p.Arg640Gln; replaces arginine 640 with glutamine.
Molecular consequence: missense variant.
Genome position (GRCh38, 1-based): chr9:128,176,375, C>T on the plus strand (G>A on the coding strand, the complement: CIZ1 is on the minus strand). VCF-style: chr9-128176375-C-T. GRCh37 (hg19) VCF-style: chr9-130938654-C-T.
Other names: c.1751G>A, p.Arg584Gln (NM_001131015.2); c.1736G>A, p.Arg579Gln (NM_001131017.2); c.1679G>A, p.Arg560Gln (NM_001131018.2); c.2009G>A, p.Arg670Gln (NM_001257975.2); c.1616G>A, p.Arg539Gln (NM_001257976.2); c.1919G>A, p.Arg640Gln (NM_012127.3); c.1919G>A (NM_012127.2); short protein forms R670Q, R640Q, R539Q, R579Q, R584Q, R560Q.
Identifiers: ClinVar variation 2186904 (VCV002186904.3), dbSNP rs770784977, ClinGen allele CA5257206.

ClinVar aggregate classification (germline): Uncertain significance. Review status: criteria provided, multiple submitters, no conflicts (2 of 4 stars). 2 submissions from 2 submitters: Uncertain significance (2). Last evaluated 2023-05-20.

Conditions:
Dystonic disorder. Also called: Dystonia. Identifiers: MedGen C0013421, MONDO:0003441, HP:0001332.

Allele frequency attached by ClinVar (database versions not stated): gnomAD exomes 0.00001; ExAC 0.00002; gnomAD 0.00003; TOPMed 0.00003.
gnomAD v4.1: 18 of 1,613,948 alleles (0.0011%); highest among the groups gnomAD compares: Admixed American, 0.015%; no homozygotes.

Submissions (2):

Labcorp Genetics (formerly Invitae), Labcorp
Classification: Uncertain significance for Dystonic disorder. Last evaluated: 2023-05-20. Review status: criteria provided, single submitter. Criteria: Invitae Variant Classification Sherloc (09022015). Collection method: clinical testing. Allele origin: germline.
Comment: This variant has not been reported in the literature in individuals affected with CIZ1-related conditions. In summary, the available evidence is currently insufficient to determine the role of this variant in disease. Therefore, it has been classified as a Variant of Uncertain Significance. Algorithms developed to predict the effect of missense changes on protein structure and function output the following: SIFT: "Not Available"; PolyPhen-2: "Benign"; Align-GVGD: "Not Available". The glutamine amino acid residue is found in multiple mammalian species, which suggests that this missense change does not adversely affect protein function. ClinVar contains an entry for this variant (Variation ID: 2186904). This variant is present in population databases (rs770784977, gnomAD 0.01%). This sequence change replaces arginine, which is basic and polar, with glutamine, which is neutral and polar, at codon 640 of the CIZ1 protein (p.Arg640Gln).

Ambry Genetics
Classification: Uncertain significance. Last evaluated: 2022-10-06. Review status: criteria provided, single submitter. Criteria: Ambry Variant Classification Scheme 2023. Collection method: clinical testing. Allele origin: germline.